The following is an entry in ClinVar:

ClinVar aggregate classification (germline): Uncertain significance (1 of 4 stars; one submission).

Allele frequency attached by ClinVar (database versions not stated): gnomAD exomes below 0.00001.
gnomAD v4.1: 1 of 1,480,238 alleles (0.000068%); highest among the groups gnomAD compares: Non-Finnish European, 0.000089%; no homozygotes.

Submission:

GeneDx
Classification: Uncertain significance. Last evaluated: 2023-03-20. Review status: criteria provided, single submitter. Criteria: GeneDx Variant Classification Process June 2021. Collection method: clinical testing. Allele origin: germline. Affected: yes.
Comment: Not observed at significant frequency in large population cohorts (gnomAD); In silico analysis supports that this missense variant does not alter protein structure/function; Has not been previously published as pathogenic or benign to our knowledge

NM_152416.4(NDUFAF6):c.110C>T (p.Pro37Leu)

Genes: NDUFAF6 (NADH:ubiquinone oxidoreductase complex assembly factor 6; plus strand), LOC113788297 (Sharpr-MPRA regulatory region 2014; plus strand). Cytogenetic location: 8q22.1.
Variant type: single nucleotide variant.
Coding change: c.110C>T on transcript NM_152416.4 (MANE Select); coding-DNA position 110, C replaced by T.
Protein change: p.Pro37Leu; replaces proline 37 with leucine.
Molecular consequence: missense variant. On other transcripts: 5 prime UTR variant (12), non-coding transcript variant (6), intron variant (7).
Genome position (GRCh38, 1-based): chr8:95,025,118, C>T. VCF-style: chr8-95025118-C-T. GRCh37 (hg19) VCF-style: chr8-96037346-C-T.
Other names: c.-171C>T (NM_001330582.2, NM_001354521.2); c.-124C>T (NM_001354517.2); c.-343C>T (NM_001354518.2); c.-339C>T (NM_001354519.2); c.-688C>T (NM_001354527.2); c.-659C>T (NM_001354528.2); c.-471C>T (NM_001354529.2); c.-573C>T (NM_001354530.2); and 8 more; short protein forms P37L.
Identifiers: ClinVar variation 2580551 (VCV002580551.1), dbSNP rs2536706287, ClinGen allele CA371742728.
Genomic context (GRCh38, chr8:95,025,118, plus strand): 5'-TCCCCGGCCTGTGCTGCCGCCGGCCGCCTCTGGGTCTGTACGCGCGCATGCGGCGGCTGC[C>T]CGGGCCGGAGGTGTCTGGGCGGAGCGTGGCTGCGGCCAGCGGACCGGGCGCCTGGGGCAC-3'
Protein context (NP_689629.2, residues 27-47): LGLYARMRRL[Pro37Leu]GPEVSGRSVA